The following is an entry in ClinVar:

ClinVar aggregate classification (germline): Uncertain significance (1 of 4 stars; one submission).

Allele frequency attached by ClinVar (database versions not stated): gnomAD 0.00003; gnomAD exomes 0.00004; TOPMed 0.00005; ExAC 0.00010.
gnomAD v4.1: 65 of 1,614,044 alleles (0.004%); highest among the groups gnomAD compares: Middle Eastern, 0.049%; 1 homozygote.

Submission:

Labcorp Genetics (formerly Invitae), Labcorp
Classification: Uncertain significance. Last evaluated: 2022-04-08. Review status: criteria provided, single submitter. Criteria: Invitae Variant Classification Sherloc (09022015). Collection method: clinical testing. Allele origin: germline.
Comment: This sequence change replaces phenylalanine, which is neutral and non-polar, with serine, which is neutral and polar, at codon 1361 of the FREM2 protein (p.Phe1361Ser). This variant is present in population databases (rs199715291, gnomAD 0.02%), including at least one homozygous and/or hemizygous individual. This variant has not been reported in the literature in individuals affected with FREM2-related conditions. Algorithms developed to predict the effect of missense changes on protein structure and function are either unavailable or do not agree on the potential impact of this missense change (SIFT: "Deleterious"; PolyPhen-2: "Benign"; Align-GVGD: "Class C0"). In summary, the available evidence is currently insufficient to determine the role of this variant in disease. Therefore, it has been classified as a Variant of Uncertain Significance.

NM_207361.6(FREM2):c.4082T>C (p.Phe1361Ser)

Gene: FREM2 (FRAS1 related extracellular matrix 2; plus strand). Cytogenetic location: 13q13.3.
Variant type: single nucleotide variant.
Coding change: c.4082T>C on transcript NM_207361.6 (MANE Select); coding-DNA position 4082, T replaced by C.
Protein change: p.Phe1361Ser; replaces phenylalanine 1361 with serine.
Molecular consequence: missense variant.
Genome position (GRCh38, 1-based): chr13:38,691,426, T>C. VCF-style: chr13-38691426-T-C. GRCh37 (hg19) VCF-style: chr13-39265563-T-C.
Other names: short protein forms F1361S.
Identifiers: ClinVar variation 1911049 (VCV001911049.2), dbSNP rs199715291, ClinGen allele CA6954918.
Genomic context (GRCh38, chr13:38,691,426, plus strand): 5'-ATATTATTCGTTATGGGCCAGGACATGGCTTATTACAGAGACGAAAACCTACTGGTGCCT[T>C]TGAAAATATCACACTGGGCATGAATTTTACCCAGGATGAAGTAGACAGAAACTTAATTCA-3'
Protein context (NP_997244.4, residues 1351-1371): LLQRRKPTGA[Phe1361Ser]ENITLGMNFT